The following is an entry in ClinVar:

ClinVar aggregate classification (germline): Pathogenic (1 of 4 stars; one submission).

Submission:

Athena Diagnostics
Classification: Pathogenic. Last evaluated: 2021-10-08. Review status: criteria provided, single submitter. Criteria: Athena Diagnostics Criteria. Collection method: clinical testing. Allele origin: unknown.
Comment: This variant is expected to result in the loss of a functional protein. This variant has not been reported in large, multi-ethnic general populations. This variant has been identified in at least one individual tested at Athena Diagnostics with clinical features associated with this gene.

NM_001009944.3(PKD1):c.1538_1539delinsG (p.Pro513fs)

Gene: PKD1 (polycystin 1, transient receptor potential channel interacting; minus strand). Cytogenetic location: 16p13.3.
Variant type: Indel.
Coding change: c.1538_1539delinsG on transcript NM_001009944.3 (MANE Select); coding-DNA positions 1538 to 1539, CC replaced by G.
Protein change: p.Pro513fs; shifts the reading frame from proline 513.
Molecular consequence: frameshift variant.
Genome position (GRCh38, 1-based): chr16:2,116,900-2,116,901, GG replaced by C on the plus strand (CC replaced by G on the coding strand, the reverse complement: PKD1 is on the minus strand). VCF-style: chr16-2116900-GG-C. GRCh37 (hg19) VCF-style: chr16-2166901-GG-C.
Other names: c.1538_1539delinsG, p.Pro513fs (NM_000296.4); short protein forms P513fs.
Identifiers: ClinVar variation 1807311 (VCV001807311.1), dbSNP rs2544871993, ClinGen allele CA2580091035.
Genomic context (GRCh38, chr16:2,116,900, plus strand): 5'-CTGCAGCTCGCAGACGTAGCTGTGCGGCGCTGAGCACAGGTCGGTGTTACACCACCCGGT[GG>C]GCCCGAGCCGGACGCAGTGCTCGGCTGTGGCTGGGTGTGGCTCCCCGGGCAGCCAGTTCT-3'